The following is an entry in ClinVar:

ClinVar aggregate classification (germline): Uncertain significance (1 of 4 stars; one submission).

Conditions:
Encephalopathy, acute, infection-induced (herpes-specific), susceptibility to, 1. Also called: Herpes simplex encephalitis, susceptibility to, 1. Identifiers: Orphanet 1930, MedGen C2750180, MONDO:0024563, OMIM 610551.

Submission:

Labcorp Genetics (formerly Invitae), Labcorp
Classification: Uncertain significance for Encephalopathy, acute, infection-induced (herpes-specific), susceptibility to, 1. Last evaluated: 2024-01-18. Review status: criteria provided, single submitter. Criteria: Invitae Variant Classification Sherloc (09022015). Collection method: clinical testing. Allele origin: germline.
Comment: This sequence change replaces threonine, which is neutral and polar, with arginine, which is basic and polar, at codon 650 of the TLR3 protein (p.Thr650Arg). This variant is not present in population databases (gnomAD no frequency). This variant has not been reported in the literature in individuals affected with TLR3-related conditions. ClinVar contains an entry for this variant (Variation ID: 2102051). An algorithm developed to predict the effect of missense changes on protein structure and function (PolyPhen-2) suggests that this variant is likely to be disruptive. In summary, the available evidence is currently insufficient to determine the role of this variant in disease. Therefore, it has been classified as a Variant of Uncertain Significance.

NM_003265.3(TLR3):c.1949C>G (p.Thr650Arg)

Gene: TLR3 (toll like receptor 3; plus strand). Cytogenetic location: 4q35.1.
Variant type: single nucleotide variant.
Coding change: c.1949C>G on transcript NM_003265.3 (MANE Select); coding-DNA position 1949, C replaced by G.
Protein change: p.Thr650Arg; replaces threonine 650 with arginine.
Molecular consequence: missense variant.
Genome position (GRCh38, 1-based): chr4:186,083,635, C>G. VCF-style: chr4-186083635-C-G. GRCh37 (hg19) VCF-style: chr4-187004789-C-G.
Other names: short protein forms T650R.
Identifiers: ClinVar variation 2102051 (VCV002102051.4), dbSNP rs1248175611, ClinGen allele CA358934606.
Genomic context (GRCh38, chr4:186,083,635, plus strand): 5'-TCGGGCCAGCTTTCAGGAACCTGACTGAGTTAGATATGCGCTTTAATCCCTTTGATTGCA[C>G]GTGTGAAAGTATTGCCTGGTTTGTTAATTGGATTAACGAGACCCATACCAACATCCCTGA-3'
Protein context (NP_003256.1, residues 640-660): LDMRFNPFDC[Thr650Arg]CESIAWFVNW